The following is an entry in ClinVar:

NM_002691.4(POLD1):c.811G>A (p.Gly271Arg)

Gene: POLD1 (DNA polymerase delta 1, catalytic subunit; plus strand). Cytogenetic location: 19q13.33.
Variant type: single nucleotide variant.
Coding change: c.811G>A on transcript NM_002691.4 (MANE Select); coding-DNA position 811, G replaced by A.
Protein change: p.Gly271Arg; replaces glycine 271 with arginine.
Molecular consequence: missense variant. On other transcripts: non-coding transcript variant (1).
Genome position (GRCh38, 1-based): chr19:50,402,506, G>A. VCF-style: chr19-50402506-G-A. GRCh37 (hg19) VCF-style: chr19-50905763-G-A.
Other names: c.811G>A, p.Gly271Arg (NM_001256849.1, NM_001308632.1); c.811G>A (NM_002691.2); short protein forms G271R.
Identifiers: ClinVar variation 836371 (VCV000836371.14), dbSNP rs923485004, ClinGen allele CA309599763.

ClinVar aggregate classification (germline): Uncertain significance. Review status: criteria provided, multiple submitters, no conflicts (2 of 4 stars). 3 submissions from 3 submitters: Uncertain significance (3). Last evaluated 2025-05-19.

Conditions:
Hereditary cancer-predisposing syndrome. Also called: Tumor predisposition; Hereditary Cancer Syndrome; Hereditary neoplastic syndrome; Neoplastic Syndromes, Hereditary. Identifiers: Orphanet 140162, MedGen C0027672, MeSH D009386, MONDO:0015356.
POLD1-related polyposis and colorectal cancer syndrome (CRCS10). Also called: Colorectal cancer 10; COLORECTAL CANCER, SUSCEPTIBILITY TO, ON CHROMOSOME 19q; Colorectal cancer, susceptibility to, 10. Identifiers: Orphanet 220460, MedGen C2675481, MONDO:0012953, OMIM 612591.

Allele frequency attached by ClinVar (database versions not stated): gnomAD exomes 0.00001; gnomAD 0.00003 and 0.00004; TOPMed 0.00005.
gnomAD v4.1: 13 of 1,609,442 alleles (0.00081%); highest among the groups gnomAD compares: African/African-American, 0.016%; no homozygotes.

Submissions (3):

Ambry Genetics
Classification: Uncertain significance for Hereditary cancer-predisposing syndrome. Last evaluated: 2025-05-19. Review status: criteria provided, single submitter. Criteria: Ambry Variant Classification Scheme 2023. Collection method: clinical testing. Allele origin: germline.

Labcorp Genetics (formerly Invitae), Labcorp
Classification: Uncertain significance for POLD1-related polyposis and colorectal cancer syndrome. Last evaluated: 2024-12-10. Review status: criteria provided, single submitter. Criteria: Invitae Variant Classification Sherloc (09022015). Collection method: clinical testing. Allele origin: germline.
Comment: This sequence change replaces glycine, which is neutral and non-polar, with arginine, which is basic and polar, at codon 271 of the POLD1 protein (p.Gly271Arg). This variant is not present in population databases (gnomAD no frequency). This variant has not been reported in the literature in individuals affected with POLD1-related conditions. ClinVar contains an entry for this variant (Variation ID: 836371). Invitae Evidence Modeling of protein sequence and biophysical properties (such as structural, functional, and spatial information, amino acid conservation, physicochemical variation, residue mobility, and thermodynamic stability) indicates that this missense variant is not expected to disrupt POLD1 protein function with a negative predictive value of 80%. In summary, the available evidence is currently insufficient to determine the role of this variant in disease. Therefore, it has been classified as a Variant of Uncertain Significance.

Genetic Services Laboratory, University of Chicago
Classification: Uncertain significance. Last evaluated: 2020-09-24. Review status: criteria provided, single submitter. Criteria: ACMG Guidelines, 2015. Collection method: clinical testing. Allele origin: germline. Affected: no.
Comment: DNA sequence analysis of the POLD1 gene demonstrated a sequence change, c.811G>A, in exon 7 that results in an amino acid change, p.Gly271Arg. This sequence change does not appear to have been previously described in patients with POLD1-related disorders and has also not been described in population databases (gnomAD, ExAC). The p.Gly271Arg change affects a highly conserved amino acid residue located in a domain of the POLD1 protein that is known to be functional. In-silico pathogenicity prediction tools (SIFT, PolyPhen2, Align GVGD, REVEL) provide contradictory results for the p.Gly271Arg substitution. Due to these contrasting evidences and the lack of functional studies, the clinical significance of the p.Gly271Arg change remains unknown at this time.